The following is an entry in ClinVar:

NM_014141.6(CNTNAP2):c.498G>A (p.Trp166Ter)

Gene: CNTNAP2 (contactin associated protein 2; plus strand). Cytogenetic location: 7q35.
Variant type: single nucleotide variant.
Coding change: c.498G>A on transcript NM_014141.6 (MANE Select); coding-DNA position 498, G replaced by A.
Protein change: p.Trp166Ter; replaces tryptophan 166 with a stop codon.
Molecular consequence: nonsense.
Genome position (GRCh38, 1-based): chr7:147,044,002, G>A. VCF-style: chr7-147044002-G-A. GRCh37 (hg19) VCF-style: chr7-146741094-G-A.
Other names: short protein forms W166*.
Identifiers: ClinVar variation 974852 (VCV000974852.3), dbSNP rs1176180722, ClinGen allele CA369923582.

ClinVar aggregate classification (germline): Pathogenic/Likely pathogenic. Review status: criteria provided, multiple submitters, no conflicts (2 of 4 stars). 3 submissions from 3 submitters: Pathogenic (1); Likely pathogenic (2). Last evaluated 2026-07-17.

Conditions:
Cortical dysplasia-focal epilepsy syndrome (PTHSL1). Also called: Pitt-Hopkins-like syndrome 1. Identifiers: Orphanet 163681, Orphanet 221150, MedGen C2750246, MONDO:0012400, OMIM 610042.

Allele frequency attached by ClinVar (database versions not stated): gnomAD exomes below 0.00001.
gnomAD v4.1: 2 of 1,614,202 alleles (0.00012%); highest among the groups gnomAD compares: Non-Finnish European, 0.00017%; no homozygotes.

Submissions (3):

MVZ Martinsried, Medicover Genetics
Classification: Pathogenic for Cortical dysplasia-focal epilepsy syndrome. Last evaluated: 2026-07-17. Review status: criteria provided, single submitter. Criteria: ClinGen Variant Curation SOP V3.2 + Classification Guidance July2025. Collection method: clinical testing. Allele origin: unknown. Affected: yes. Observed: 1 heterozygote.

GeneDx
Classification: Likely pathogenic. Last evaluated: 2022-06-07. Review status: criteria provided, single submitter. Criteria: GeneDx Variant Classification Process June 2021. Collection method: clinical testing. Allele origin: germline. Affected: yes.
Comment: Reported previously as a likely pathogenic variant in the heterozygous state in a patient with micrognathia, hypertelorism, intellectual disability, and seizures. A second likely pathogenic heterozygous variant was also reported; however, phase was unknown (Bertoli-Avella et al., 2021); Nonsense variant predicted to result in protein truncation or nonsense mediated decay in a gene for which loss of function is a known mechanism of disease; Not observed at significant frequency in large population cohorts (gnomAD); This variant is associated with the following publications: (PMID: 32860008)

CENTOGENE GmbH and LLC - Guiding Precision Medicine
Classification: Likely pathogenic for Cortical dysplasia-focal epilepsy syndrome. Review status: criteria provided, single submitter. Criteria: ACMG Guidelines, 2015. Collection method: clinical testing. Allele origin: germline. Affected: yes.

Literature cited by the submitters: PubMed 32860008 (cited by CENTOGENE GmbH and LLC - Guiding Precision Medicine).